The following is an entry in ClinVar:

NM_001379270.1(CNGA1):c.1990C>A (p.Pro664Thr)

Genes: CNGA1 (cyclic nucleotide gated channel subunit alpha 1; minus strand), LOC101927157 (uncharacterized LOC101927157; plus strand). Cytogenetic location: 4p12.
Variant type: single nucleotide variant.
Coding change: c.1990C>A on transcript NM_001379270.1 (MANE Select); coding-DNA position 1990, C replaced by A.
Protein change: p.Pro664Thr; replaces proline 664 with threonine.
Molecular consequence: missense variant.
Genome position (GRCh38, 1-based): chr4:47,936,492, G>T on the plus strand (C>A on the coding strand, the complement: CNGA1 is on the minus strand). VCF-style: chr4-47936492-G-T. GRCh37 (hg19) VCF-style: chr4-47938509-G-T.
Other names: c.1990C>A, p.Pro664Thr (NM_000087.5, NM_001142564.2); short protein forms P664T.
Identifiers: ClinVar variation 1403431 (VCV001403431.6), dbSNP rs750831228, ClinGen allele CA2910979.
Genomic context (GRCh38, chr4:47,936,492, plus strand): 5'-CGATGGGCCCACTTTCCGCTCCAGGTCCCTCAATACTTGAAAATTCTGTGTCAATAAGCG[G>T]TTTCAGAAATTTCTCAACCTTGGTTAATCTTTGTTTCAGTTTCTGCTGCATGGACTCATA-3'
Protein context (NP_001366199.1, residues 654-674): RLTKVEKFLK[Pro664Thr]LIDTEFSSIE

ClinVar aggregate classification (germline): Uncertain significance. Review status: criteria provided, multiple submitters, no conflicts (2 of 4 stars). 2 submissions from 2 submitters: Uncertain significance (2). Last evaluated 2024-07-23.

Allele frequency attached by ClinVar (database versions not stated): ExAC 0.00001; TOPMed 0.00001; gnomAD 0.00002; gnomAD exomes 0.00003 and 0.00004.
gnomAD v4.1: 64 of 1,614,012 alleles (0.004%); highest among the groups gnomAD compares: Non-Finnish European, 0.0052%; no homozygotes.

Submissions (2):

Blueprint Genetics
Classification: Uncertain significance. Last evaluated: 2024-07-23. Review status: criteria provided, single submitter. Criteria: ACMG Guidelines, 2015. Collection method: clinical testing. Allele origin: germline.

Labcorp Genetics (formerly Invitae), Labcorp
Classification: Uncertain significance. Last evaluated: 2021-08-27. Review status: criteria provided, single submitter. Criteria: Invitae Variant Classification Sherloc (09022015). Collection method: clinical testing. Allele origin: germline.
Comment: This sequence change replaces proline with threonine at codon 668 of the CNGA1 protein (p.Pro668Thr). The proline residue is highly conserved and there is a small physicochemical difference between proline and threonine. This variant is present in population databases (rs750831228, ExAC 0.001%). This variant has not been reported in the literature in individuals affected with CNGA1-related conditions. Algorithms developed to predict the effect of missense changes on protein structure and function are either unavailable or do not agree on the potential impact of this missense change (SIFT: "Deleterious"; PolyPhen-2: "Possibly Damaging"; Align-GVGD: "Class C0"). In summary, the available evidence is currently insufficient to determine the role of this variant in disease. Therefore, it has been classified as a Variant of Uncertain Significance.